The following continues an entry in ClinVar:

NM_000540.3(RYR1):c.11708G>A (p.Arg3903Gln)

Gene: RYR1. ClinVar aggregate classification (germline): Pathogenic/Likely pathogenic. Pathogenic (1); Likely pathogenic (1).

Submissions 7 to 10 of 10:

All of Us Research Program, National Institutes of Health
Classification: Likely pathogenic for Malignant hyperthermia, susceptibility to, 1. Last evaluated: 2024-03-24. Review status: criteria provided, single submitter. Criteria: ACMG Guidelines, 2015. Collection method: clinical testing. Allele origin: germline. Inheritance: Autosomal dominant inheritance. Observed: 4 variant alleles, 4 heterozygotes. Not counted in ClinVar's aggregate classification.
Comment: This missense variant replaces arginine with glutamine at codon 3903 of the RYR1 protein. Computational prediction suggests that this variant may have deleterious impact on protein structure and function (internally defined REVEL score threshold >= 0.7, PMID: 27666373). To our knowledge, functional studies have not been reported for this variant. This variant has been reported in several individuals and families affected with malignant hyperthermia susceptibility (PMID: 16835904, 19191333, 20681998, 30236257). This variant has been identified in 3/251492 chromosomes in the general population by the Genome Aggregation Database (gnomAD). Based on the available evidence, this variant is classified as Likely Pathogenic.

This study involves interpretation of variants in research participants for the purpose of population health screening. Participant phenotype was not available at the time of variant classification. Additional details can be found in publication PMID: 35346344, PMCID: PMC8962531

Laboratory for Molecular Medicine, Mass General Brigham Personalized Medicine
Classification: Likely pathogenic for Malignant hyperthermia of anesthesia. Last evaluated: 2023-08-09. Review status: criteria provided, single submitter. Criteria: ACMG Guidelines, 2015. Collection method: clinical testing. Allele origin: germline. Inheritance: Autosomal dominant inheritance. Not counted in ClinVar's aggregate classification.
Comment: The p.Arg3903Gln variant in RYR1 has been reported in at least 8 individuals with malignant hyperthermia (MH) or malignant hyperthermia susceptibility (MHS) and in 2 individuals with idiopathic hyperCKemia and segregated with MH/MHS in at least 3 affected relatives from 2 families (Galli 2006 PMID: 16835904, Tammaro 2011 PMID: 20681998, Klingler 2014 PMID: 24433488, Miller 2018 PMID: 30236257). In one of the families, this variant was not identified in 2 individuals with MHS but these individuals had another disease causing RYR1 variant, which was not present in the 2 other affected relatives who carried the p.Arg3903Gln variant, suggesting that there may be 2 disease causing variants in this family (Tammaro 2011 PMID: 20681998). The p.Arg3903Gln variant has been identified in 0.003% (2/68036) of European chromosomes by gnomAD (v.3.1.2). This frequency is low enough to be consistent with the frequency of MH in the general population. Computational prediction tools and conservation analyses suggest that this variant may impact the protein. Additionally, this variant was classified as likely pathogenic on Aug 26, 2021 by the ClinGen Malignant Hyperthermia Susceptibility Variant Curation Expert Panel (ClinVar ID 133017). In summary, although additional studies are required to fully establish its clinical significance, this variant meets criteria to be classified as likely pathogenic for autosomal dominant malignant hyperthermia. ACMG/AMP criteria applied: PS4, PP3, PM2_Supporting.

Juno Genomics, Hangzhou Juno Genomics, Inc
Classification: Likely pathogenic for Central core myopathy; Congenital multicore myopathy with external ophthalmoplegia; Malignant hyperthermia, susceptibility to, 1; King Denborough syndrome. Review status: criteria provided, single submitter. Criteria: ACMG Guidelines, 2015. Collection method: clinical testing. Allele origin: germline. Not counted in ClinVar's aggregate classification.
Comment: The prevalence of the variant in affected individuals is significantly increased compared to the prevalence in controls.;Multiple lines of computational evidence support a deleterious effect on the gene or gene product.

RYR1 database
No classification provided. Review status: no classification provided. Collection method: not provided. Allele origin: unknown. Not counted in ClinVar's aggregate classification.

Literature cited by the submitters: PubMed 16835904 (cited by 4 submitters); PubMed 19191333 (cited by Color Diagnostics, LLC DBA Color Health and All of Us Research Program, National Institutes of Health); PubMed 20681998 (cited by 3 submitters); PubMed 30236257 (cited by 4 submitters); PubMed 30611313 (cited by Labcorp Genetics (formerly Invitae), Labcorp); PubMed 35428369 (cited by Labcorp Genetics (formerly Invitae), Labcorp); PubMed 24433488 (cited by Laboratory for Molecular Medicine, Mass General Brigham Personalized Medicine).